The following is an entry in ClinVar:

ClinVar aggregate classification (germline): Uncertain significance (1 of 4 stars; one submission).

Submission:

Ambry Genetics
Classification: Uncertain significance. Last evaluated: 2024-06-07. Review status: criteria provided, single submitter. Criteria: Ambry Variant Classification Scheme 2023. Collection method: clinical testing. Allele origin: germline.
Comment: The p.R1589K variant (also known as c.4766G>A), located in coding exon 16 of the POLQ gene, results from a G to A substitution at nucleotide position 4766. The arginine at codon 1589 is replaced by lysine, an amino acid with highly similar properties. This amino acid position is conserved. In addition, this alteration is predicted to be tolerated by in silico analysis. Based on the available evidence, the clinical significance of this variant remains unclear.

NM_199420.4(POLQ):c.4766G>A (p.Arg1589Lys)

Gene: POLQ (DNA polymerase theta; minus strand). Cytogenetic location: 3q13.33.
Variant type: single nucleotide variant.
Coding change: c.4766G>A on transcript NM_199420.4 (MANE Select); coding-DNA position 4766, G replaced by A.
Protein change: p.Arg1589Lys; replaces arginine 1589 with lysine.
Molecular consequence: missense variant.
Genome position (GRCh38, 1-based): chr3:121,488,165, C>T on the plus strand (G>A on the coding strand, the complement: POLQ is on the minus strand). VCF-style: chr3-121488165-C-T. GRCh37 (hg19) VCF-style: chr3-121207012-C-T.
Other names: short protein forms R1589K.
Identifiers: ClinVar variation 3308716 (VCV003308716.1).